The following is an entry in ClinVar:

NM_014476.6(PDLIM3):c.924G>A (p.Ala308=)

Gene: PDLIM3 (PDZ and LIM domain 3; minus strand). Cytogenetic location: 4q35.1.
Variant type: single nucleotide variant.
Coding change: c.924G>A on transcript NM_014476.6 (MANE Select); coding-DNA position 924, G replaced by A.
Protein change: p.Ala308=; no amino-acid change (alanine 308 retained).
Molecular consequence: synonymous variant. On other transcripts: non-coding transcript variant (1).
Genome position (GRCh38, 1-based): chr4:185,502,465, C>T on the plus strand (G>A on the coding strand, the complement: PDLIM3 is on the minus strand). VCF-style: chr4-185502465-C-T. GRCh37 (hg19) VCF-style: chr4-186423619-C-T.
Other names: c.780G>A, p.Ala260= (NM_001114107.5); c.660G>A, p.Ala220= (NM_001257962.2); c.423G>A, p.Ala141= (NM_001257963.2).
Identifiers: ClinVar variation 1578813 (VCV001578813.32), dbSNP rs558471910, ClinGen allele CA3159634.

ClinVar aggregate classification (germline): Likely benign. Review status: criteria provided, multiple submitters, no conflicts (2 of 4 stars). 2 submissions from 2 submitters: Likely benign (2). Last evaluated 2025-02-27.

Conditions:
Hypertrophic cardiomyopathy. Also called: HYPERTROPHIC MYOCARDIOPATHY. Identifiers: Orphanet 217569, MedGen C0007194, MeSH D002312, MONDO:0005045, HP:0001639.
Primary dilated cardiomyopathy (DCM). Also called: Dilated Cardiomyopathy. Identifiers: Orphanet 217604, MedGen C0007193, MeSH D002311, MONDO:0005021, HP:0001644. Inheritance: Various modes of inheritance.

Allele frequency attached by ClinVar (database versions not stated): gnomAD 0.00001 and 0.00002; TOPMed 0.00001; gnomAD exomes 0.00007 and 0.00014; ExAC 0.00015; 1000 Genomes Project 30x 0.00016; 1000 Genomes Project 0.00020.
gnomAD v4.1: 110 of 1,614,136 alleles (0.0068%); highest among the groups gnomAD compares: South Asian, 0.099%; no homozygotes.

Submissions (2):

Labcorp Genetics (formerly Invitae), Labcorp
Classification: Likely benign for Hypertrophic cardiomyopathy; Primary dilated cardiomyopathy. Last evaluated: 2025-02-27. Review status: criteria provided, single submitter. Criteria: Invitae Variant Classification Sherloc (09022015). Collection method: clinical testing. Allele origin: germline.

CeGaT Center for Human Genetics Tuebingen
Classification: Likely benign. Last evaluated: 2022-11-01. Review status: criteria provided, single submitter. Criteria: CeGaT Center For Human Genetics Tuebingen Variant Classification Criteria Version 2. Collection method: clinical testing. Allele origin: germline. Affected: yes. Observed: 1 variant allele.
Comment: PDLIM3: BP4, BP7